The following is an entry in ClinVar:

NM_001079668.3(NKX2-1):c.463+6T>A

Genes: NKX2-1 (NK2 homeobox 1; minus strand), SFTA3 (surfactant associated 3; minus strand). Cytogenetic location: 14q13.3.
Variant type: single nucleotide variant.
Coding change: c.463+6T>A on transcript NM_001079668.3 (MANE Select); 6 bases into the intron after coding-DNA position 463, T replaced by A.
Molecular consequence: intron variant.
Genome position (GRCh38, 1-based): chr14:36,518,979, A>T on the plus strand (T>A on the coding strand, the complement: NKX2-1 is on the minus strand). VCF-style: chr14-36518979-A-T. GRCh37 (hg19) VCF-style: chr14-36988184-A-T.
Other names: c.373+6T>A (NM_003317.4).
Identifiers: ClinVar variation 4885824 (VCV004885824.2).

ClinVar aggregate classification (germline): Uncertain significance (1 of 4 stars; one submission).

Submission:

Dasa
Classification: Uncertain significance. Last evaluated: 2025-01-13. Review status: criteria provided, single submitter. Criteria: DASA Assertion Criteria. Collection method: clinical testing. Allele origin: germline.
Comment: NM_001079668.3(NKX2-1):c.463+6T>A is a splice-region variant predicted to affect normal RNA splicing. This variant affects a splice-region context with prior evidence supporting clinical relevance. This variant is absent from population databases. Computational prediction algorithms are consistent with a deleterious effect. The currently available literature and clinical evidence are not sufficient to establish a definitive association between this variant and the reported condition. Therefore, this variant is classified as a variant of uncertain significance.